The following is an entry in ClinVar:

NM_000169.3(GLA):c.806T>G (p.Val269Gly)

Genes: GLA (galactosidase alpha; minus strand), RPL36A-HNRNPH2 (RPL36A-HNRNPH2 readthrough; plus strand). Cytogenetic location: Xq22.1.
Variant type: single nucleotide variant.
Coding change: c.806T>G on transcript NM_000169.3 (MANE Select); coding-DNA position 806, T replaced by G.
Protein change: p.Val269Gly; replaces valine 269 with glycine.
Molecular consequence: missense variant. On other transcripts: non-coding transcript variant (3), intron variant (2).
Genome position (GRCh38, 1-based): chrX:101,398,563, A>C on the plus strand (T>G on the coding strand, the complement: GLA is on the minus strand). VCF-style: chrX-101398563-A-C. GRCh37 (hg19) VCF-style: chrX-100653551-A-C.
Other names: c.929T>G, p.Val310Gly (NM_001406747.1); c.806T>G, p.Val269Gly (NM_001406748.1); c.300+3106A>C (NM_001199973.2); c.177+6741A>C (NM_001199974.2); short protein forms V269G, V310G.
Identifiers: ClinVar variation 217399 (VCV000217399.3), dbSNP rs28935488, ClinGen allele CA089038.
Genomic context (GRCh38, chrX:101,398,563, plus strand): 5'-ATAGCCCAGAGGGCCATCTGAGTTACTTGCTGATTCCAGCTGAGGCCAAAGTTGCCAATC[A>C]CTAACTGAGAAAAAGAATGAAATAATTCAAACAAGAGAGGAGGAAACATTCTTAAAGTTA-3'
Protein context (NP_000160.1, residues 259-279): PGGWNDPDML[Val269Gly]IGNFGLSWNQ

ClinVar aggregate classification (germline): Likely pathogenic. Review status: criteria provided, single submitter (1 of 4 stars). 3 submissions from 2 submitters: Likely pathogenic (1). 2 of the submissions do not count toward it. Last evaluated 2026-09-08.

Conditions:
Fabry disease. Also called: ALPHA-GALACTOSIDASE A DEFICIENCY; ANDERSON-FABRY DISEASE; CERAMIDE TRIHEXOSIDASE DEFICIENCY; Fabry's disease; Angiokeratoma corporis diffusum; Ceramide trihexosidosis. Identifiers: Orphanet 324, MedGen C0002986, MONDO:0010526, OMIM 301500, HP:0001071. Disease mechanism: loss of function, Fabry disease is due to inactivating mutations in the X-linked GLA gene resulting in deficiency of the enzyme Alpha Galactosidase-A..
Migalastat response. Also called: 1-Deoxygalactonojirimycin response; Galafold response. Identifiers: MedGen CN233149.

Submissions (3):

Genomenon, Inc
Classification: Likely pathogenic for Fabry disease. Last evaluated: 2026-09-08. Review status: criteria provided, single submitter. Criteria: Genomenon Sequence Variant Interpretation Standards - Updated. Collection method: curation. Allele origin: germline. Affected: yes.
Comment: GLA p.Val269Gly (c.806T>G) is a missense variant that changes the amino acid at codon 269 from Valine to Glycine. This variant has been observed in at least one proband with clinical features consistent with Fabry disease (PMID:26415523;26297554;32583479). At least one functional study has demonstrated a substantial alteration in protein function relative to the wild-type (PMID:26415523). It is absent or not present at a significant frequency in gnomAD. In silico models predict that this variant is possibly or probably damaging. In conclusion, we classify GLA p.Val269Gly (c.806T>G) as a likely pathogenic variant.

Albrecht-Kossel-Institute, Medical University Rostock
Classification: Pathogenic for Fabry's disease. Last evaluated: 2014-01-01. Review status: no assertion criteria provided. Collection method: research. Allele origin: inherited. Not counted in ClinVar's aggregate classification.

Albrecht-Kossel-Institute, Medical University Rostock
Classification: drug response for deoxygalactonojirimycin response. Last evaluated: 2014-01-01. Review status: no assertion criteria provided. Collection method: research. Allele origin: inherited. Not counted in ClinVar's aggregate classification.

Literature cited by the submitters: PubMed 26415523 (cited by Genomenon, Inc and Albrecht-Kossel-Institute, Medical University Rostock); PubMed 26297554 (cited by Genomenon, Inc); PubMed 32583479 (cited by Genomenon, Inc).